The following is an entry in ClinVar:

ClinVar aggregate classification (germline): Likely benign (0 of 4 stars; one submission).

Conditions:
NFS1-related disorder. Also called: NFS1-related condition.

Allele frequency attached by ClinVar (database versions not stated): ExAC 0.00002; TOPMed 0.00002; gnomAD 0.00003.
gnomAD v4.1: 97 of 1,598,302 alleles (0.0061%); highest among the groups gnomAD compares: Non-Finnish European, 0.0076%; no homozygotes.

Submission:

PreventionGenetics, part of Exact Sciences
Classification: Likely benign for NFS1-related condition. Last evaluated: 2021-05-24. Review status: no assertion criteria provided. Collection method: clinical testing. Allele origin: germline.
Comment: This variant is classified as likely benign based on ACMG/AMP sequence variant interpretation guidelines (Richards et al. 2015 PMID: 25741868, with internal and published modifications).

NM_021100.5(NFS1):c.324+9A>C

Gene: NFS1 (NFS1 cysteine desulfurase; minus strand). Cytogenetic location: 20q11.22.
Variant type: single nucleotide variant.
Coding change: c.324+9A>C on transcript NM_021100.5 (MANE Select); 9 bases into the intron after coding-DNA position 324, A replaced by C.
Molecular consequence: intron variant.
Genome position (GRCh38, 1-based): chr20:35,697,675, T>G on the plus strand (A>C on the coding strand, the complement: NFS1 is on the minus strand). VCF-style: chr20-35697675-T-G. GRCh37 (hg19) VCF-style: chr20-34285597-T-G.
Other names: c.324+9A>C (NM_001198989.2).
Identifiers: ClinVar variation 3035185 (VCV003035185.2), dbSNP rs770762730, ClinGen allele CA9837308.